The following is an entry in ClinVar:

NM_013447.4(ADGRE2):c.997C>G (p.Leu333Val)

Gene: ADGRE2 (adhesion G protein-coupled receptor E2; minus strand). Cytogenetic location: 19p13.12.
Variant type: single nucleotide variant.
Coding change: c.997C>G on transcript NM_013447.4 (MANE Select); coding-DNA position 997, C replaced by G.
Protein change: p.Leu333Val; replaces leucine 333 with valine.
Molecular consequence: missense variant.
Genome position (GRCh38, 1-based): chr19:14,764,520, G>C on the plus strand (C>G on the coding strand, the complement: ADGRE2 is on the minus strand). VCF-style: chr19-14764520-G-C. GRCh37 (hg19) VCF-style: chr19-14875332-G-C.
Other names: c.997C>G, p.Leu333Val (NM_001271052.1); c.850C>G, p.Leu284Val (NM_152916.2); c.718C>G, p.Leu240Val (NM_152917.2); short protein forms L240V, L284V, L333V.
Identifiers: ClinVar variation 3609699 (VCV003609699.2).

ClinVar aggregate classification (germline): Uncertain significance (1 of 4 stars; one submission).

Submission:

Labcorp Genetics (formerly Invitae), Labcorp
Classification: Uncertain significance. Last evaluated: 2024-08-20. Review status: criteria provided, single submitter. Criteria: Invitae Variant Classification Sherloc (09022015). Collection method: clinical testing. Allele origin: germline.
Comment: This sequence change replaces leucine, which is neutral and non-polar, with valine, which is neutral and non-polar, at codon 333 of the ADGRE2 protein (p.Leu333Val). This variant is not present in population databases (gnomAD no frequency). This variant has not been reported in the literature in individuals affected with ADGRE2-related conditions. An algorithm developed to predict the effect of missense changes on protein structure and function (PolyPhen-2) suggests that this variant is likely to be tolerated. In summary, the available evidence is currently insufficient to determine the role of this variant in disease. Therefore, it has been classified as a Variant of Uncertain Significance.